The following is an entry in ClinVar:

ClinVar aggregate classification (germline): Pathogenic (1 of 4 stars; one submission).

Conditions:
Fanconi anemia (FA). Also called: Fanconi's anemia. Identifiers: Orphanet 84, MedGen C0015625, MeSH D005199, MONDO:0019391.

Submission:

Labcorp Genetics (formerly Invitae), Labcorp
Classification: Pathogenic for Fanconi anemia. Last evaluated: 2023-08-25. Review status: criteria provided, single submitter. Criteria: Invitae Variant Classification Sherloc (09022015). Collection method: clinical testing. Allele origin: unknown.
Comment: This variant is a gross deletion of the genomic region encompassing exon(s) 11 of the FANCA gene. This deletion is out-of-frame, and is expected to create a premature termination codon and result in an absent or disrupted protein product. Loss-of-function variants in FANCA are known to be pathogenic (PMID: 19367192). A similar copy number variant has been observed in individual(s) with FANCA-related conditions (PMID: 26799702, 33960719, 34585473). For these reasons, this variant has been classified as Pathogenic.

Literature cited by the submitters: PubMed 19367192; PubMed 26799702; PubMed 33960719; PubMed 34585473.

NC_000016.9:g.(?_89862294)_(89862446_?)del

Gene: FANCA (FA complementation group A; minus strand). Cytogenetic location: 16q24.3.
Variant type: Deletion.
Identifiers: ClinVar variation 3243224 (VCV003243224.1).